The following is an entry in ClinVar:

ClinVar aggregate classification (germline): Conflicting classifications of pathogenicity. Review status: criteria provided, conflicting classifications (1 of 4 stars). 6 submissions from 6 submitters: Uncertain significance (1); Likely benign (3). 2 of the submissions do not count toward it. Last evaluated 2026-01-24.

Conditions:
Cardiovascular phenotype. Identifiers: MedGen CN230736.
Autosomal recessive limb-girdle muscular dystrophy type 2I. Also called: MUSCULAR DYSTROPHY-DYSTROGLYCANOPATHY (LIMB-GIRDLE), TYPE C, 5; MUSCULAR DYSTROPHY, LIMB-GIRDLE, TYPE 2I; MUSCULAR DYSTROPHY-DYSTROGLYCANOPATHY, LIMB-GIRDLE, FRKP-RELATED. Identifiers: Orphanet 34515, MedGen C1846672, MONDO:0011787, OMIM 607155.
Walker-Warburg congenital muscular dystrophy. Also called: Muscular dystrophy-dystroglycanopathy, type A; Walker-Warburg syndrome. Identifiers: Orphanet 899, MedGen C0265221, MONDO:0000171.
FKRP-related disorder. Also called: FKRP-related condition.

Allele frequency attached by ClinVar (database versions not stated): gnomAD 0.00004 and 0.00005; TOPMed 0.00005; gnomAD exomes 0.00011; ExAC 0.00014; 1000 Genomes Project 30x 0.00031; 1000 Genomes Project 0.00040.
gnomAD v4.1: 107 of 1,613,274 alleles (0.0066%); highest among the groups gnomAD compares: East Asian, 0.22%; no homozygotes.

Submissions (6):

Labcorp Genetics (formerly Invitae), Labcorp
Classification: Likely benign for Walker-Warburg congenital muscular dystrophy. Last evaluated: 2026-01-24. Review status: criteria provided, single submitter. Criteria: Invitae Variant Classification Sherloc (09022015). Collection method: clinical testing. Allele origin: germline.

Blueprint Genetics
Classification: Likely benign. Last evaluated: 2024-10-28. Review status: criteria provided, single submitter. Criteria: ACMG Guidelines, 2015. Collection method: clinical testing. Allele origin: germline.

Ambry Genetics
Classification: Likely benign for Cardiovascular phenotype. Last evaluated: 2020-04-13. Review status: criteria provided, single submitter. Criteria: Ambry Variant Classification Scheme 2023. Collection method: clinical testing. Allele origin: germline.

Eurofins Ntd Llc (ga)
Classification: Uncertain significance. Last evaluated: 2018-04-24. Review status: criteria provided, single submitter. Criteria: EGL ClinVar v180209 classification definitions. Collection method: clinical testing. Allele origin: germline. Observed: 1 variant allele, 1 heterozygote.

Natera, Inc.
Classification: Likely benign for Limb-girdle muscular dystrophy type 2I. Last evaluated: 2021-08-12. Review status: no assertion criteria provided. Collection method: clinical testing. Allele origin: germline. Not counted in ClinVar's aggregate classification.

PreventionGenetics, part of Exact Sciences
Classification: Likely benign for FKRP-related condition. Last evaluated: 2021-03-12. Review status: no assertion criteria provided. Collection method: clinical testing. Allele origin: germline. Not counted in ClinVar's aggregate classification.
Comment: This variant is classified as likely benign based on ACMG/AMP sequence variant interpretation guidelines (Richards et al. 2015 PMID: 25741868, with internal and published modifications).

NM_024301.5(FKRP):c.1236C>T (p.His412=)

Gene: FKRP (fukutin related protein; plus strand). Cytogenetic location: 19q13.32.
Variant type: single nucleotide variant.
Coding change: c.1236C>T on transcript NM_024301.5 (MANE Select); coding-DNA position 1236, C replaced by T.
Protein change: p.His412=; no amino-acid change (histidine 412 retained).
Molecular consequence: synonymous variant.
Genome position (GRCh38, 1-based): chr19:46,756,686, C>T. VCF-style: chr19-46756686-C-T. GRCh37 (hg19) VCF-style: chr19-47259943-C-T.
Other names: c.1236C>T, p.His412= (NM_001039885.3).
Identifiers: ClinVar variation 596929 (VCV000596929.20), dbSNP rs201076863, ClinGen allele CA9532279.